The following is an entry in ClinVar:

NM_001113378.2(FANCI):c.2990A>T (p.Glu997Val)

Gene: FANCI (FA complementation group I; plus strand). Cytogenetic location: 15q26.1.
Variant type: single nucleotide variant.
Coding change: c.2990A>T on transcript NM_001113378.2 (MANE Select); coding-DNA position 2990, A replaced by T.
Protein change: p.Glu997Val; replaces glutamic acid 997 with valine.
Molecular consequence: missense variant.
Genome position (GRCh38, 1-based): chr15:89,301,426, A>T. VCF-style: chr15-89301426-A-T. GRCh37 (hg19) VCF-style: chr15-89844657-A-T.
Other names: c.2711A>T, p.Glu904Val (NM_001376910.1); c.2990A>T, p.Glu997Val (NM_001376911.1); c.2810A>T, p.Glu937Val (NM_018193.3); short protein forms E904V, E937V, E997V.
Identifiers: ClinVar variation 1063388 (VCV001063388.9), dbSNP rs1567171375, ClinGen allele CA393737978.

ClinVar aggregate classification (germline): Uncertain significance (1 of 4 stars; one submission).

Conditions:
Fanconi anemia (FA). Also called: Fanconi's anemia. Identifiers: Orphanet 84, MedGen C0015625, MeSH D005199, MONDO:0019391.

Submission:

Labcorp Genetics (formerly Invitae), Labcorp
Classification: Uncertain significance for Fanconi anemia. Last evaluated: 2020-10-19. Review status: criteria provided, single submitter. Criteria: Invitae Variant Classification Sherloc (09022015). Collection method: clinical testing. Allele origin: germline.
Comment: Algorithms developed to predict the effect of sequence changes on RNA splicing suggest that this variant may create or strengthen a splice site, but this prediction has not been confirmed by published transcriptional studies. Algorithms developed to predict the effect of missense changes on protein structure and function are either unavailable or do not agree on the potential impact of this missense change (SIFT: "Deleterious"; PolyPhen-2: "Benign"; Align-GVGD: "Class C0"). This variant has not been reported in the literature in individuals with FANCI-related conditions. This variant is not present in population databases (ExAC no frequency). This sequence change replaces glutamic acid with valine at codon 997 of the FANCI protein (p.Glu997Val). The glutamic acid residue is weakly conserved and there is a moderate physicochemical difference between glutamic acid and valine. In summary, the available evidence is currently insufficient to determine the role of this variant in disease. Therefore, it has been classified as a Variant of Uncertain Significance.